The following is an entry in ClinVar:

ClinVar aggregate classification (germline): Conflicting classifications of pathogenicity. Review status: criteria provided, conflicting classifications (1 of 4 stars). 2 submissions from 2 submitters: Uncertain significance (1); Likely benign (1). Last evaluated 2024-07-16.

Conditions:
Hereditary cancer-predisposing syndrome. Also called: Neoplastic Syndromes, Hereditary; Tumor predisposition; Hereditary Cancer Syndrome; Hereditary neoplastic syndrome. Identifiers: Orphanet 140162, MedGen C0027672, MeSH D009386, MONDO:0015356.
Hereditary breast ovarian cancer syndrome. Also called: Hereditary breast and ovarian cancer; BRCA1- and BRCA2-Associated Hereditary Breast and Ovarian Cancer; Hereditary breast and ovarian cancer syndrome; Hereditary breast and ovarian cancer syndrome (HBOC); Breast and ovarian cancer; Hereditary breast and/or ovarian cancer syndrome. Identifiers: Orphanet 145, MedGen C0677776, MeSH D061325, MONDO:0003582. Disease mechanism: loss of function.

Submissions (2):

Ambry Genetics
Classification: Uncertain significance for Hereditary cancer-predisposing syndrome. Last evaluated: 2024-07-16. Review status: criteria provided, single submitter. Criteria: Ambry Variant Classification Scheme 2023. Collection method: clinical testing. Allele origin: germline.
Comment: The c.171G>A variant (also known as p.G57G), located in coding exon 3 of the BRCA1 gene, results from a G to A substitution at nucleotide position 171. This nucleotide substitution does not change the glycine at codon 57. This nucleotide position is not well conserved in available vertebrate species. In silico splice site analysis for this alteration is inconclusive. Based on the available evidence, the clinical significance of this variant remains unclear.

Labcorp Genetics (formerly Invitae), Labcorp
Classification: Likely benign for Hereditary breast ovarian cancer syndrome. Last evaluated: 2023-01-27. Review status: criteria provided, single submitter. Criteria: Invitae Variant Classification Sherloc (09022015). Collection method: clinical testing. Allele origin: germline.

NM_007294.4(BRCA1):c.171G>A (p.Gly57=)

Gene: BRCA1 (BRCA1 DNA repair associated; minus strand). Cytogenetic location: 17q21.31.
Variant type: single nucleotide variant.
Coding change: c.171G>A on transcript NM_007294.4 (MANE Select); coding-DNA position 171, G replaced by A.
Protein change: p.Gly57=; no amino-acid change (glycine 57 retained).
Molecular consequence: synonymous variant. On other transcripts: 5 prime UTR variant (61), intron variant (34).
Genome position (GRCh38, 1-based): chr17:43,106,497, C>T on the plus strand (G>A on the coding strand, the complement: BRCA1 is on the minus strand). VCF-style: chr17-43106497-C-T. GRCh37 (hg19) VCF-style: chr17-41258514-C-T.
Other names: c.30G>A, p.Gly10= (NM_001407738.1, NM_001407739.1, NM_001407740.1 and 99 more transcripts); c.-18G>A (NM_001407571.1, NM_001407853.1, NM_001407879.1 and 58 more transcripts); c.171G>A, p.Gly57= (NM_001407581.1, NM_001407582.1, NM_001407583.1 and 168 more transcripts); c.-218-11637G>A (NM_001407967.1, NM_001407966.1); c.-169-1541G>A (NM_001407959.1, NM_001407962.1, NM_001408512.1 and 4 more transcripts); c.81-1541G>A (NM_001408451.1); c.135-1541G>A (NM_001408475.1, NM_001407875.1, NM_001407659.1 and 21 more transcripts).
Identifiers: ClinVar variation 2831114 (VCV002831114.4), dbSNP rs1057523606, ClinGen allele CA500128165.